The following is an entry in ClinVar:

NM_007055.4(POLR3A):c.3148C>T (p.Leu1050=)

Gene: POLR3A (RNA polymerase III subunit A; minus strand). Cytogenetic location: 10q22.3.
Variant type: single nucleotide variant.
Coding change: c.3148C>T on transcript NM_007055.4 (MANE Select); coding-DNA position 3148, C replaced by T.
Protein change: p.Leu1050=; no amino-acid change (leucine 1050 retained).
Molecular consequence: synonymous variant.
Genome position (GRCh38, 1-based): chr10:77,985,264, G>A on the plus strand (C>T on the coding strand, the complement: POLR3A is on the minus strand). VCF-style: chr10-77985264-G-A. GRCh37 (hg19) VCF-style: chr10-79745022-G-A.
Identifiers: ClinVar variation 3239567 (VCV003239567.19), dbSNP rs2493189496.

ClinVar aggregate classification (germline): Uncertain significance (1 of 4 stars; one submission).

Submission:

CeGaT Center for Human Genetics Tuebingen
Classification: Uncertain significance. Last evaluated: 2024-05-01. Review status: criteria provided, single submitter. Criteria: CeGaT Center For Human Genetics Tuebingen Variant Classification Criteria Version 2. Collection method: clinical testing. Allele origin: germline. Affected: yes. Observed: 1 variant allele.
Comment: POLR3A: PM2:Supporting, BP4